The following is an entry in ClinVar:

NM_001312909.2(FAM111A):c.1241A>T (p.Tyr414Phe)

Gene: FAM111A (FAM111 trypsin like peptidase A; plus strand). Cytogenetic location: 11q12.1.
Variant type: single nucleotide variant.
Coding change: c.1241A>T on transcript NM_001312909.2 (MANE Select); coding-DNA position 1241, A replaced by T.
Protein change: p.Tyr414Phe; replaces tyrosine 414 with phenylalanine.
Molecular consequence: missense variant.
Genome position (GRCh38, 1-based): chr11:59,152,909, A>T. VCF-style: chr11-59152909-A-T. GRCh37 (hg19) VCF-style: chr11-58920382-A-T.
Other names: c.1241A>T, p.Tyr414Phe (NM_001142519.3, NM_001142520.3, NM_001142521.3 and 29 more transcripts); short protein forms Y414F.
Identifiers: ClinVar variation 3630755 (VCV003630755.2).

ClinVar aggregate classification (germline): Uncertain significance (1 of 4 stars; one submission).

gnomAD v4.1: 36 of 1,614,076 alleles (0.0022%); highest among the groups gnomAD compares: Admixed American, 0.0033%; no homozygotes.

Submission:

Labcorp Genetics (formerly Invitae), Labcorp
Classification: Uncertain significance. Last evaluated: 2025-08-18. Review status: criteria provided, single submitter. Criteria: Invitae Variant Classification Sherloc (09022015). Collection method: clinical testing. Allele origin: germline.
Comment: This sequence change replaces tyrosine, which is neutral and polar, with phenylalanine, which is neutral and non-polar, at codon 414 of the FAM111A protein (p.Tyr414Phe). This variant is present in population databases (rs201762811, gnomAD 0.006%). This variant has not been reported in the literature in individuals affected with FAM111A-related conditions. ClinVar contains an entry for this variant (Variation ID: 3630755). Invitae Evidence Modeling of protein sequence and biophysical properties (such as structural, functional, and spatial information, amino acid conservation, physicochemical variation, residue mobility, and thermodynamic stability) indicates that this missense variant is not expected to disrupt FAM111A protein function with a negative predictive value of 80%. In summary, the available evidence is currently insufficient to determine the role of this variant in disease. Therefore, it has been classified as a Variant of Uncertain Significance.